The following is an entry in ClinVar:

ClinVar aggregate classification (germline): Uncertain significance. Review status: criteria provided, multiple submitters, no conflicts (2 of 4 stars). 2 submissions from 2 submitters: Uncertain significance (2). Last evaluated 2026-01-04.

Conditions:
Arrhythmogenic right ventricular dysplasia 10. Also called: Arrhythmogenic Right Ventricular Dysplasia/Cardiomyopathy10; ARRHYTHMOGENIC RIGHT VENTRICULAR DYSPLASIA, FAMILIAL, 10; Arrhythmogenic right ventricular dysplasia/cardiomyopathy, type 10. Identifiers: MedGen C1857777, MONDO:0012434, OMIM 610193.
Cardiovascular phenotype. Identifiers: MedGen CN230736.

Allele frequency attached by ClinVar (database versions not stated): gnomAD 0.00001; TOPMed 0.00001.
gnomAD v4.1: 2 of 1,614,034 alleles (0.00012%); highest among the groups gnomAD compares: African/African-American, 0.0027%; no homozygotes.

Submissions (2):

Labcorp Genetics (formerly Invitae), Labcorp
Classification: Uncertain significance for Arrhythmogenic right ventricular dysplasia 10. Last evaluated: 2026-01-04. Review status: criteria provided, single submitter. Criteria: Invitae Variant Classification Sherloc (09022015). Collection method: clinical testing. Allele origin: germline.
Comment: This sequence change replaces methionine, which is neutral and non-polar, with valine, which is neutral and non-polar, at codon 690 of the DSG2 protein (p.Met690Val). This variant is not present in population databases (gnomAD no frequency). This variant has not been reported in the literature in individuals affected with DSG2-related conditions. ClinVar contains an entry for this variant (Variation ID: 937702). Invitae Evidence Modeling of protein sequence and biophysical properties (such as structural, functional, and spatial information, amino acid conservation, physicochemical variation, residue mobility, and thermodynamic stability) indicates that this missense variant is not expected to disrupt DSG2 protein function with a negative predictive value of 95%. In summary, the available evidence is currently insufficient to determine the role of this variant in disease. Therefore, it has been classified as a Variant of Uncertain Significance.

Ambry Genetics
Classification: Uncertain significance for Cardiovascular phenotype. Last evaluated: 2020-06-08. Review status: criteria provided, single submitter. Criteria: Ambry Variant Classification Scheme 2023. Collection method: clinical testing. Allele origin: germline.
Comment: The p.M690V variant (also known as c.2068A>G), located in coding exon 14 of the DSG2 gene, results from an A to G substitution at nucleotide position 2068. The methionine at codon 690 is replaced by valine, an amino acid with highly similar properties. This amino acid position is poorly conserved in available vertebrate species. In addition, this alteration is predicted to be tolerated by in silico analysis. Since supporting evidence is limited at this time, the clinical significance of this alteration remains unclear.

NM_001943.5(DSG2):c.2068A>G (p.Met690Val)

Genes: DSG2 (desmoglein 2; plus strand), DSG2-AS1 (DSG2 antisense RNA 1; minus strand). Cytogenetic location: 18q12.1.
Variant type: single nucleotide variant.
Coding change: c.2068A>G on transcript NM_001943.5 (MANE Select); coding-DNA position 2068, A replaced by G.
Protein change: p.Met690Val; replaces methionine 690 with valine.
Molecular consequence: missense variant.
Genome position (GRCh38, 1-based): chr18:31,542,586, A>G. VCF-style: chr18-31542586-A-G. GRCh37 (hg19) VCF-style: chr18-29122549-A-G.
Other names: short protein forms M690V.
Identifiers: ClinVar variation 937702 (VCV000937702.9), dbSNP rs1453554024, ClinGen allele CA402141406.